The following is an entry in ClinVar:

ClinVar aggregate classification (germline): Conflicting classifications of pathogenicity. Review status: criteria provided, conflicting classifications (1 of 4 stars). 3 submissions from 3 submitters: Likely pathogenic (2); Uncertain significance (1). Last evaluated 2026-07-10.

Conditions:
Glycogen storage disease, type VII (GSD7). Also called: MUSCLE PHOSPHOFRUCTOKINASE DEFICIENCY; GSD VII; PFKM DEFICIENCY; TARUI DISEASE. Identifiers: Orphanet 371, MedGen C0017926, MONDO:0009295, OMIM 232800.

Allele frequency attached by ClinVar (database versions not stated): gnomAD exomes below 0.00001; TOPMed 0.00001.

Submissions (3):

Myriad Genetics, Inc.
Classification: Uncertain significance for Glycogen storage disease, type VII. Last evaluated: 2026-07-10. Review status: criteria provided, single submitter. Criteria: Myriad Autosomal Dominant, Autosomal Recessive and X-Linked Classification Criteria (2023). Collection method: clinical testing. Allele origin: unknown.
Comment: NM_001166686.1(PFKM):c.1714-2delA is a variant in a canonical splice site classified as a variant of uncertain significance in the context of glycogen storage disease, PFKM-related. c.1714-2delA has not been observed in cases with relevant disease. Relevant functional assessments of this variant are not available in the literature. c.1714-2delA has been observed in referenced population frequency databases. In summary, there is insufficient evidence to classify NM_001166686.1(PFKM):c.1714-2delA as pathogenic or benign. Please note: this variant was assessed in the context of healthy population screening.

Labcorp Genetics (formerly Invitae), Labcorp
Classification: Likely pathogenic for Glycogen storage disease, type VII. Last evaluated: 2024-03-05. Review status: criteria provided, single submitter. Criteria: Invitae Variant Classification Sherloc (09022015). Collection method: clinical testing. Allele origin: germline.
Comment: This sequence change affects a splice site in intron 16 of the PFKM gene. It is expected to disrupt RNA splicing. Variants that disrupt the donor or acceptor splice site typically lead to a loss of protein function (PMID: 16199547), and loss-of-function variants in PFKM are known to be pathogenic (PMID: 7825568, 8037209). This variant is present in population databases (no rsID available, gnomAD 0.0009%). This variant has not been reported in the literature in individuals affected with PFKM-related conditions. ClinVar contains an entry for this variant (Variation ID: 1066637). Algorithms developed to predict the effect of sequence changes on RNA splicing suggest that this variant may disrupt the consensus splice site. In summary, the currently available evidence indicates that the variant is pathogenic, but additional data are needed to prove that conclusively. Therefore, this variant has been classified as Likely Pathogenic.

Fulgent Genetics
Classification: Likely pathogenic for Glycogen storage disease, type VII. Last evaluated: 2024-02-26. Review status: criteria provided, single submitter. Criteria: ACMG Guidelines, 2015. Collection method: clinical testing. Allele origin: germline.

Literature cited by the submitters: PubMed 16199547 (cited by Labcorp Genetics (formerly Invitae), Labcorp); PubMed 7825568 (cited by Labcorp Genetics (formerly Invitae), Labcorp); PubMed 8037209 (cited by Labcorp Genetics (formerly Invitae), Labcorp).

NM_000289.6(PFKM):c.1501-2del

Gene: PFKM (phosphofructokinase, muscle; plus strand). Cytogenetic location: 12q13.11.
Variant type: Deletion.
Coding change: c.1501-2del on transcript NM_000289.6 (MANE Select); the canonical splice acceptor site of the intron before coding-DNA position 1501, one base deleted (A; older notation c.1501-2delA).
Molecular consequence: splice acceptor variant.
Genome position (GRCh38, 1-based): chr12:48,141,912, A deleted. VCF-style (leftmost placement, unchanged base first): chr12-48141911-TA-T. GRCh37 (hg19) VCF-style: chr12-48535694-TA-T.
Other names: c.1525-2del (NM_001354741.2); c.1501-2del (NM_001354742.2, NM_001354743.2, NM_001354744.2 and 2 more transcripts); c.1351-2del (NM_001354747.2, NM_001354748.2); c.1714-2del (NM_001166686.2, NM_001354737.1, NM_001354739.1 and 1 more transcripts); c.1810-2del (NM_001354736.1, NM_001354735.1); c.1645-2del (NM_001354740.1); c.1414-2del (NM_001354745.2); c.1375-2del (NM_001354746.2); and 1 more.
Identifiers: ClinVar variation 1066637 (VCV001066637.9), dbSNP rs1410122696, ClinGen allele CA605231915.
Genomic context (GRCh38, chr12:48,141,911, plus strand): 5'-CCTCTCTCCCTCCTACCTCCTCTCCCTCTCCCCAATCCTGCCCTTGTGCTCTCTTCTTCT[TA>T]GGCTTACACAGGGGGCCTGGAACTGATGGAGGGCAGGAAGCAGTTTGATGAGCTCTGCAT-3'